The following is an entry in ClinVar:

ClinVar aggregate classification (germline): Benign/Likely benign. Review status: criteria provided, multiple submitters, no conflicts (2 of 4 stars). 4 submissions from 4 submitters: Benign (1); Likely benign (2). 1 of the submissions does not count toward it. Last evaluated 2024-03-01.

Conditions:
CTCF-related disorder. Also called: CTCF-related condition. Identifiers: MedGen CN381101.

Allele frequency attached by ClinVar (database versions not stated): gnomAD 0.00001 and 0.00007; TOPMed 0.00002; gnomAD exomes 0.00010 and 0.00018; ExAC 0.00020; 1000 Genomes Project 0.00040; 1000 Genomes Project 30x 0.00047.

Submissions (4):

CeGaT Center for Human Genetics Tuebingen
Classification: Likely benign. Last evaluated: 2024-03-01. Review status: criteria provided, single submitter. Criteria: CeGaT Center For Human Genetics Tuebingen Variant Classification Criteria Version 2. Collection method: clinical testing. Allele origin: germline. Affected: yes. Observed: 1 variant allele.
Comment: CTCF: BP4, BP7, BS1

GeneDx
Classification: Benign. Last evaluated: 2020-02-04. Review status: criteria provided, single submitter. Criteria: GeneDx Variant Classification Process June 2021. Collection method: clinical testing. Allele origin: germline. Affected: yes.

Genetic Services Laboratory, University of Chicago
Classification: Likely benign. Last evaluated: 2017-08-07. Review status: criteria provided, single submitter. Criteria: ACMG Guidelines, 2015. Collection method: clinical testing. Allele origin: germline. Affected: no.

PreventionGenetics, part of Exact Sciences
Classification: Likely benign for CTCF-related condition. Last evaluated: 2022-04-18. Review status: no assertion criteria provided. Collection method: clinical testing. Allele origin: germline. Not counted in ClinVar's aggregate classification.
Comment: This variant is classified as likely benign based on ACMG/AMP sequence variant interpretation guidelines (Richards et al. 2015 PMID: 25741868, with internal and published modifications).

NM_006565.4(CTCF):c.1878G>A (p.Glu626=)

Gene: CTCF (CCCTC-binding factor; plus strand). Cytogenetic location: 16q22.1.
Variant type: single nucleotide variant.
Coding change: c.1878G>A on transcript NM_006565.4 (MANE Select); coding-DNA position 1878, G replaced by A.
Protein change: p.Glu626=; no amino-acid change (glutamic acid 626 retained).
Molecular consequence: synonymous variant.
Genome position (GRCh38, 1-based): chr16:67,636,730, G>A. VCF-style: chr16-67636730-G-A. GRCh37 (hg19) VCF-style: chr16-67670633-G-A.
Other names: c.894G>A, p.Glu298= (NM_001191022.2); c.1878G>A, p.Glu626= (NM_001363916.2).
Identifiers: ClinVar variation 1179609 (VCV001179609.28), dbSNP rs377527007, ClinGen allele CA8112796.